The following is an entry in ClinVar:

ClinVar aggregate classification (germline): Uncertain significance (1 of 4 stars; one submission).

gnomAD v4.1: 1 of 1,099,004 alleles (0.000091%); highest among the groups gnomAD compares: Non-Finnish European, 0.00011%; no homozygotes.

Submission:

GeneDx
Classification: Uncertain significance. Last evaluated: 2022-11-30. Review status: criteria provided, single submitter. Criteria: GeneDx Variant Classification Process June 2021. Collection method: clinical testing. Allele origin: germline. Affected: yes.
Comment: Not observed at significant frequency in large population cohorts (gnomAD); In silico analysis supports that this missense variant does not alter protein structure/function; Has not been previously published as pathogenic or benign to our knowledge

NM_001492.6(GDF1):c.586G>A (p.Ala196Thr)

Genes: CERS1 (ceramide synthase 1; minus strand), GDF1 (growth differentiation factor 1; minus strand). Cytogenetic location: 19p13.11.
Variant type: single nucleotide variant.
Coding change: c.586G>A on transcript NM_001492.6 (MANE Select); coding-DNA position 586, G replaced by A.
Protein change: p.Ala196Thr; replaces alanine 196 with threonine.
Molecular consequence: missense variant. On other transcripts: 3 prime UTR variant (2).
Genome position (GRCh38, 1-based): chr19:18,869,130, C>T on the plus strand (G>A on the coding strand, the complement: GDF1 is on the minus strand). VCF-style: chr19-18869130-C-T. GRCh37 (hg19) VCF-style: chr19-18979939-C-T.
Other names: c.*1447G>A (NM_001387440.1); c.*855G>A (NM_021267.5); c.586G>A, p.Ala196Thr (NM_001387438.1); short protein forms A196T.
Identifiers: ClinVar variation 2504463 (VCV002504463.1), dbSNP rs2512953898, ClinGen allele CA404862858.
Genomic context (GRCh38, chr19:18,869,130, plus strand): 5'-CCAGGCGGAGGCTGCGCGGCCATGAGGCGTTGCGAGCCCAAGCGGCGCCCAGCAGCTCCG[C>T]GCGCACTGGCGGCCCCAGGGCGGGCACCAACTGGCGGAGCAGCACCGGCCCGGGGTCCGC-3'
Protein context (NP_001483.3, residues 186-206): LVPALGPPVR[Ala196Thr]ELLGAAWARN